The following is an entry in ClinVar:

ClinVar aggregate classification (germline): Uncertain significance (1 of 4 stars; one submission).

Conditions:
Familial thoracic aortic aneurysm and aortic dissection (TAAD). Also called: Thoracic aortic aneurysms and dissections. Identifiers: Orphanet 91387, MedGen C4707243, MONDO:0019625.

Allele frequency attached by ClinVar (database versions not stated): gnomAD exomes below 0.00001.
gnomAD v4.1: 1 of 1,614,178 alleles (0.000062%); highest among the groups gnomAD compares: Non-Finnish European, 0.000085%; no homozygotes.

Submission:

Color Diagnostics, LLC DBA Color Health
Classification: Uncertain significance for Familial thoracic aortic aneurysm and aortic dissection. Last evaluated: 2022-04-05. Review status: criteria provided, single submitter. Criteria: ACMG Guidelines, 2015. Collection method: clinical testing. Allele origin: germline.
Comment: This variant causes a C to T nucleotide substitution at the +3 position of intron 26 of the FBN1 gene. To our knowledge, functional studies have not been reported for this variant. This variant has not been reported in individuals affected with cardiovascular disorders in the literature. This variant has not been identified in the general population by the Genome Aggregation Database (gnomAD). The available evidence is insufficient to determine the role of this variant in disease conclusively. Therefore, this variant is classified as a Variant of Uncertain Significance.

NM_000138.5(FBN1):c.3208+3C>T

Gene: FBN1 (fibrillin 1; minus strand). Cytogenetic location: 15q21.1.
Variant type: single nucleotide variant.
Coding change: c.3208+3C>T on transcript NM_000138.5 (MANE Select); 3 bases into the intron after coding-DNA position 3208, C replaced by T.
Molecular consequence: intron variant.
Genome position (GRCh38, 1-based): chr15:48,488,365, G>A on the plus strand (C>T on the coding strand, the complement: FBN1 is on the minus strand). VCF-style: chr15-48488365-G-A. GRCh37 (hg19) VCF-style: chr15-48780562-G-A.
Other names: c.3208+3C>T (NM_001406716.1).
Identifiers: ClinVar variation 2773362 (VCV002773362.2), dbSNP rs2505553329, ClinGen allele CA2628330685.
Genomic context (GRCh38, chr15:48,488,365, plus strand): 5'-TGTTAAAGATAAAGAGTTTTAAAGGACGTCCCCTCTCCTGGCCCTTAAGGCTCATTAACT[G>A]ACCTGTGCAGTTCCTTTCTTCAGAATCAAGAGCAAAGCCGCTGTCACACCTGCACTTAAA-3'